The following is an entry in ClinVar:

NC_000001.10:g.(?_11888143)_(11889399_?)del

Gene: CLCN6 (chloride voltage-gated channel 6; plus strand). Cytogenetic location: 1p36.22.
Variant type: Deletion.
Identifiers: ClinVar variation 3247910 (VCV003247910.1).

ClinVar aggregate classification (germline): Uncertain significance (1 of 4 stars; one submission).

Submission:

Labcorp Genetics (formerly Invitae), Labcorp
Classification: Uncertain significance. Last evaluated: 2023-02-09. Review status: criteria provided, single submitter. Criteria: Invitae Variant Classification Sherloc (09022015). Collection method: clinical testing. Allele origin: unknown.
Comment: This variant is a gross deletion of the genomic region encompassing exon(s) 11-13 of the CLCN6 gene. This variant would be expected to be in-frame, preserving the integrity of the reading frame. This variant has not been reported in the literature in individuals affected with CLCN6-related conditions. Experimental studies and prediction algorithms are not available or were not evaluated, and the functional significance of this variant is currently unknown. In summary, the available evidence is currently insufficient to determine the role of this variant in disease. Therefore, it has been classified as a Variant of Uncertain Significance.